The following is an entry in ClinVar:

NM_002350.4(LYN):c.791-8C>A

Gene: LYN (LYN proto-oncogene, Src family tyrosine kinase; plus strand). Cytogenetic location: 8q12.1.
Variant type: single nucleotide variant.
Coding change: c.791-8C>A on transcript NM_002350.4 (MANE Select); 8 bases into the intron before coding-DNA position 791, C replaced by A.
Molecular consequence: intron variant.
Genome position (GRCh38, 1-based): chr8:55,966,707, C>A. VCF-style: chr8-55966707-C-A. GRCh37 (hg19) VCF-style: chr8-56879266-C-A.
Other names: c.728-8C>A (NM_001111097.3).
Identifiers: ClinVar variation 4085975 (VCV004085975.8).

ClinVar aggregate classification (germline): Likely benign (1 of 4 stars; one submission).

gnomAD v4.1: 15 of 1,607,090 alleles (0.00093%); highest among the groups gnomAD compares: Admixed American, 0.024%; no homozygotes.

Submission:

CeGaT Center for Human Genetics Tuebingen
Classification: Likely benign. Last evaluated: 2025-08-01. Review status: criteria provided, single submitter. Criteria: CeGaT Center For Human Genetics Tuebingen Variant Classification Criteria Version 2. Collection method: clinical testing. Allele origin: germline. Affected: yes. Observed: 1 variant allele.
Comment: LYN: BP4